The following is an entry in ClinVar:

NM_001378183.1(PIEZO2):c.6223C>T (p.Arg2075Cys)

Gene: PIEZO2 (piezo type mechanosensitive ion channel component 2; minus strand). Cytogenetic location: 18p11.22.
Variant type: single nucleotide variant.
Coding change: c.6223C>T on transcript NM_001378183.1 (MANE Select); coding-DNA position 6223, C replaced by T.
Protein change: p.Arg2075Cys; replaces arginine 2075 with cysteine.
Molecular consequence: missense variant.
Genome position (GRCh38, 1-based): chr18:10,704,429, G>A on the plus strand (C>T on the coding strand, the complement: PIEZO2 is on the minus strand). VCF-style: chr18-10704429-G-A. GRCh37 (hg19) VCF-style: chr18-10704427-G-A.
Other names: c.5884C>T (NM_022068.2); c.5884C>T, p.Arg1962Cys (NM_022068.4); short protein forms R1962C, R2075C.
Identifiers: ClinVar variation 547940 (VCV000547940.16), dbSNP rs577065337, ClinGen allele CA8892263.

ClinVar aggregate classification (germline): Conflicting classifications of pathogenicity. Review status: criteria provided, conflicting classifications (1 of 4 stars). 4 submissions from 4 submitters: Uncertain significance (3); Likely benign (1). Last evaluated 2025-05-27.

Conditions:
Arthrogryposis, distal, with impaired proprioception and touch (DAIPT). Identifiers: MedGen C4310692, MONDO:0014941, OMIM 617146.
Inborn genetic diseases. Identifiers: MedGen C0950123, MeSH D030342.

Allele frequency attached by ClinVar (database versions not stated): ExAC 0.00018; gnomAD exomes 0.00023; TOPMed 0.00059; gnomAD 0.00060 and 0.00061; 1000 Genomes Project 0.00080; 1000 Genomes Project 30x 0.00109.
gnomAD v4.1: 273 of 1,537,214 alleles (0.018%); highest among the groups gnomAD compares: African/African-American, 0.19%; no homozygotes.

Submissions (4):

Department of Paediatrics at Addenbrookes, Cambridge University Hospitals NHS Foundation Trust (UK)
Classification: Uncertain significance for Arthrogryposis, distal, with impaired proprioception and touch. Last evaluated: 2025-05-27. Review status: criteria provided, single submitter. Criteria: Durkie Uk Practice Guidelines For Variant Classification V12 2024 (1). Collection method: clinical testing. Allele origin: unknown.
Comment: PM2_Moderate; PP2_Supporting; BP4_Supporting

Ambry Genetics
Classification: Uncertain significance for Inborn genetic diseases. Last evaluated: 2025-04-24. Review status: criteria provided, single submitter. Criteria: Ambry Variant Classification Scheme 2023. Collection method: clinical testing. Allele origin: germline.

Labcorp Genetics (formerly Invitae), Labcorp
Classification: Likely benign. Last evaluated: 2025-02-26. Review status: criteria provided, single submitter. Criteria: Invitae Variant Classification Sherloc (09022015). Collection method: clinical testing. Allele origin: germline.

Mayo Clinic Laboratories, Mayo Clinic
Classification: Uncertain significance for Arthrogryposis, distal, with impaired proprioception and touch. Last evaluated: 2017-03-10. Review status: criteria provided, single submitter. Criteria: ACMG Guidelines, 2015. Collection method: clinical testing. Allele origin: paternal.